The following is an entry in ClinVar:

ClinVar aggregate classification (germline): Conflicting classifications of pathogenicity. Review status: criteria provided, conflicting classifications (1 of 4 stars). 6 submissions from 6 submitters: Uncertain significance (2); Likely benign (3). 1 of the submissions does not count toward it. Last evaluated 2026-01-21.

Conditions:
DSP-related disorder. Also called: DSP-related disorders; DSP-related condition.
Arrhythmogenic cardiomyopathy with wooly hair and keratoderma. Also called: Carvajal syndrome; Dilated cardiomyopathy with woolly hair and keratoderma; Arrhythmogenic cardiomyopathy with woolly hair and keratoderma; PALMOPLANTAR KERATODERMA WITH LEFT VENTRICULAR CARDIOMYOPATHY AND WOOLLY HAIR. Identifiers: Orphanet 65282, MedGen C1854063, MONDO:0011581, OMIM 605676.
Arrhythmogenic right ventricular dysplasia 8 (ARVD8). Also called: Arrhythmogenic Right Ventricular Dysplasia/Cardiomyopathy 8; ARRHYTHMOGENIC RIGHT VENTRICULAR DYSPLASIA, FAMILIAL, 8; ARRHYTHMOGENIC RIGHT VENTRICULAR CARDIOMYOPATHY 8. Identifiers: MedGen C1843896, MONDO:0011831, OMIM 607450.
Cardiomyopathy (CMYO). Also called: Cardiomyopathies. Identifiers: Orphanet 167848, MedGen C0878544, MONDO:0004994, HP:0001638. Inheritance: Various modes of inheritance.

Allele frequency attached by ClinVar (database versions not stated): TOPMed 0.00010.
gnomAD v4.1: 75 of 1,613,152 alleles (0.0046%); highest among the groups gnomAD compares: Admixed American, 0.013%; no homozygotes.

Submissions (6):

Labcorp Genetics (formerly Invitae), Labcorp
Classification: Uncertain significance for Arrhythmogenic cardiomyopathy with wooly hair and keratoderma; Arrhythmogenic right ventricular dysplasia 8. Last evaluated: 2026-01-21. Review status: criteria provided, single submitter. Criteria: Invitae Variant Classification Sherloc (09022015). Collection method: clinical testing. Allele origin: germline.
Comment: This sequence change falls in intron 10 of the DSP gene. It does not directly change the encoded amino acid sequence of the DSP protein. It affects a nucleotide within the consensus splice site. This variant is present in population databases (rs73375345, gnomAD 0.01%). This variant has not been reported in the literature in individuals affected with DSP-related conditions. ClinVar contains an entry for this variant (Variation ID: 629813). Variants that disrupt the consensus splice site are a relatively common cause of aberrant splicing (PMID: 17576681, 9536098). Algorithms developed to predict the effect of sequence changes on RNA splicing suggest that this variant is not likely to affect RNA splicing. In summary, the available evidence is currently insufficient to determine the role of this variant in disease. Therefore, it has been classified as a Variant of Uncertain Significance.

Molecular Diagnostic Laboratory for Inherited Cardiovascular Disease, Montreal Heart Institute
Classification: Likely benign. Last evaluated: 2025-02-17. Review status: criteria provided, single submitter. Criteria: ACMG Guidelines, 2015. Collection method: clinical testing. Allele origin: germline. Affected: no.
Comment: BS1

Blueprint Genetics
Classification: Likely benign. Last evaluated: 2024-03-01. Review status: criteria provided, single submitter. Criteria: ACMG Guidelines, 2015. Collection method: clinical testing. Allele origin: germline.

CHEO Genetics Diagnostic Laboratory, Children's Hospital of Eastern Ontario
Classification: Uncertain significance for Cardiomyopathy. Last evaluated: 2023-05-16. Review status: criteria provided, single submitter. Criteria: ACMG Guidelines, 2015. Collection method: clinical testing. Allele origin: germline.

Color Diagnostics, LLC DBA Color Health
Classification: Likely benign for Cardiomyopathy. Last evaluated: 2018-10-23. Review status: criteria provided, single submitter. Criteria: ACMG Guidelines, 2015. Collection method: clinical testing. Allele origin: germline.

PreventionGenetics, part of Exact Sciences
Classification: Likely benign for DSP-related condition. Last evaluated: 2024-01-10. Review status: no assertion criteria provided. Collection method: clinical testing. Allele origin: germline. Not counted in ClinVar's aggregate classification.
Comment: This variant is classified as likely benign based on ACMG/AMP sequence variant interpretation guidelines (Richards et al. 2015 PMID: 25741868, with internal and published modifications).

Literature cited by the submitters: PubMed 17576681 (cited by Labcorp Genetics (formerly Invitae), Labcorp); PubMed 9536098 (cited by Labcorp Genetics (formerly Invitae), Labcorp).

NM_004415.4(DSP):c.1266+6G>A

Gene: DSP (desmoplakin; plus strand). Cytogenetic location: 6p24.3.
Variant type: single nucleotide variant.
Coding change: c.1266+6G>A on transcript NM_004415.4 (MANE Select); 6 bases into the intron after coding-DNA position 1266, G replaced by A.
Molecular consequence: intron variant.
Genome position (GRCh38, 1-based): chr6:7,567,912, G>A. VCF-style: chr6-7567912-G-A. GRCh37 (hg19) VCF-style: chr6-7568145-G-A.
Other names: c.1266+6G>A (NM_001319034.2, NM_001008844.3, NM_004415.3 and 1 more transcripts).
Identifiers: ClinVar variation 629813 (VCV000629813.12), dbSNP rs73375345, ClinGen allele CA027341.
Genomic context (GRCh38, chr6:7,567,912, plus strand): 5'-CTGCGACAAGAACATGCCCCTGCAGCACCTGCTGGAACAGATCAAGGAGCTGGAGGTATC[G>A]TCTCAGACCCAGAACCTCAGCAGCTGTGCCTGATCAGGGAGATAAAACACATGCCTTGGA-3'